The following is an entry in ClinVar:

ClinVar aggregate classification (germline): Pathogenic/Likely pathogenic. Review status: criteria provided, multiple submitters, no conflicts (2 of 4 stars). 9 submissions from 9 submitters: Pathogenic (5); Likely pathogenic (1). 3 of the submissions do not count toward it. Last evaluated 2023-09-01.

Conditions:
Intellectual developmental disorder, autosomal dominant 63, with macrocephaly. Also called: MENTAL RETARDATION, AUTOSOMAL DOMINANT 63, WITH MACROCEPHALY. Identifiers: MedGen C5394205, MONDO:0032939, OMIM 618825.
Intellectual developmental disorder, autosomal dominant 44, with microcephaly. Also called: Micrognathia-recurrent infections-behavioral abnormalities-mild intellectual disability syndrome; TRIO-Related Intellectual Disability. Identifiers: Orphanet 476126, MedGen C4310740, MONDO:0014892, OMIM 617061.
Inborn genetic diseases. Identifiers: MedGen C0950123, MeSH D030342.
TRIO-related disorder. Also called: TRIO-related condition; TRIO-related disorders.

Submissions (9):

Greenwood Genetic Center Diagnostic Laboratories, Greenwood Genetic Center
Classification: Pathogenic for Intellectual developmental disorder, autosomal dominant 63, with macrocephaly. Last evaluated: 2023-09-01. Review status: criteria provided, single submitter. Criteria: ACMG Guidelines, 2015. Collection method: clinical testing. Allele origin: germline. Affected: yes.
Comment: PS2, PS3, PS4_Moderate, PM2, PM5, PP2

PreventionGenetics, part of Exact Sciences
Classification: Likely pathogenic for TRIO-related condition. Last evaluated: 2023-08-31. Review status: criteria provided, single submitter. Criteria: ACMG Guidelines, 2015. Collection method: clinical testing. Allele origin: germline.
Comment: The TRIO c.3233G>A variant is predicted to result in the amino acid substitution p.Arg1078Gln. This variant was reported de novo in two individuals with neurodevelopmental disorder and macrocephaly (Barbosa et al. 2020. PubMed ID: 32109419). Alternative variants at the same codon p.Arg1078Trp and p.Arg1078Gly were reported de novo in five individuals with neurodevelopmental disorder and macrocephaly (Barbosa et al. 2020. PubMed ID: 32109419). Functional in vitro study shows that missense variants at this codon induce hyperactivation of RAC1 and are hypothesized to be associated with macrocephaly (Barbosa et al. 2020. PubMed ID: 32109419). This variant has not been reported in a large population database, indicating this variant is rare. This variant is interpreted as likely pathogenic.

Ambry Genetics
Classification: Pathogenic for Inborn genetic diseases. Last evaluated: 2022-07-15. Review status: criteria provided, single submitter. Criteria: Ambry Variant Classification Scheme 2023. Collection method: clinical testing. Allele origin: germline.
Comment: The c.3233G>A (p.R1078Q) alteration is located in exon 19 (coding exon 19) of the TRIO gene. This alteration results from a G to A substitution at nucleotide position 3233, causing the arginine (R) at amino acid position 1078 to be replaced by a glutamine (Q). This variant was not reported in population-based cohorts in the Genome Aggregation Database (gnomAD). This alteration was reported as de novo in two individuals with developmental delay, learning difficulties, macrocephaly, and behavioral issues (Barbosa, 2020). Two other alterations at the same codon, c.3232C>T (p.R1078W) and c.3232C>G (p.R1078G), have been detected in patients with TRIO-related neurodevelopmental disorder with macrocephaly (Barbosa, 2020). This amino acid position is highly conserved in available vertebrate species. TRIO activates the GTPase RAC1, which binds to the PAK1 kinase and allows for PAK1 auto-phosphorylation. Functional analysis was performed to test the effect of the p.R1078Q alteration on the TRIO-mediated activation of the RAC1 signaling pathway. This analysis demonstrated that this alteration significantly increased PAK1 phosphorylation compared to the wild type, most likely reflecting increased RAC1 activation (Barbosa, 2020). This alteration is predicted to be tolerated by in silico analysis. Based on the available evidence, this alteration is classified as pathogenic.

Mendelics
Classification: Pathogenic for Intellectual developmental disorder, autosomal dominant 44, with microcephaly. Last evaluated: 2022-05-04. Review status: criteria provided, single submitter. Criteria: Mendelics Assertion Criteria 2019. Collection method: clinical testing. Allele origin: germline.

Blueprint Genetics
Classification: Pathogenic for TRIO-related disorders. Last evaluated: 2021-02-19. Review status: criteria provided, single submitter. Criteria: ACMG Guidelines, 2015. Collection method: clinical testing. Allele origin: de novo. Affected: yes. Observed: 1 variant allele.

SIB Swiss Institute of Bioinformatics
Classification: Pathogenic for Intellectual developmental disorder, autosomal dominant 63, with macrocephaly. Last evaluated: 2020-09-10. Review status: criteria provided, single submitter. Criteria: ACMG Guidelines, 2015. Collection method: curation. Allele origin: unknown.
Comment: This variant is interpreted as pathogenic for Intellectual developmental disorder, autosomal dominant 63, with macrocephaly. The following ACMG Tag(s) were applied: Absent from controls (or at extremely low frequency if recessive) in Exome Sequencing Project, 1000 Genomes Project, or Exome Aggregation Consortium (PM2); De novo (paternity and maternity confirmed) (PS2); Missense variant in a gene that has a low rate of benign missense variation and in which missense variants are a common mechanism of disease (PP2); Multiple lines of computational evidence support a deleterious effect on the gene or gene product (PP3); Novel missense change at an amino acid residue where a different missense change determined to be pathogenic has been seen before (PM5); Well-established functional studies show a deleterious effect (PS3 downgraded to moderate).

OMIM
Classification: Pathogenic for INTELLECTUAL DEVELOPMENTAL DISORDER, AUTOSOMAL DOMINANT 63, WITH MACROCEPHALY. Last evaluated: 2020-03-31. Review status: no assertion criteria provided. Collection method: literature only. Allele origin: germline. Not counted in ClinVar's aggregate classification.

Genome Diagnostics Laboratory, Amsterdam University Medical Center
Classification: Uncertain significance. Review status: no assertion criteria provided. Collection method: clinical testing. Allele origin: germline. Affected: yes. Study: VKGL Data-share Consensus. Not counted in ClinVar's aggregate classification.

Joint Genome Diagnostic Labs from Nijmegen and Maastricht, Radboudumc and MUMC+
Classification: Uncertain significance. Review status: no assertion criteria provided. Collection method: clinical testing. Allele origin: germline. Affected: yes. Study: VKGL Data-share Consensus. Not counted in ClinVar's aggregate classification.

Literature cited by the submitters: PubMed 32109419 (cited by 3 submitters).

NM_007118.4(TRIO):c.3233G>A (p.Arg1078Gln)

Gene: TRIO (trio Rho guanine nucleotide exchange factor; plus strand). Cytogenetic location: 5p15.2.
Variant type: single nucleotide variant.
Coding change: c.3233G>A on transcript NM_007118.4 (MANE Select); coding-DNA position 3233, G replaced by A.
Protein change: p.Arg1078Gln; replaces arginine 1078 with glutamine.
Molecular consequence: missense variant. On other transcripts: non-coding transcript variant (1).
Genome position (GRCh38, 1-based): chr5:14,374,245, G>A. VCF-style: chr5-14374245-G-A. GRCh37 (hg19) VCF-style: chr5-14374354-G-A.
Other names: c.3233G>A (NM_007118.3, NM_007118.2); short protein forms R1078Q.
Identifiers: ClinVar variation 830227 (VCV000830227.12), dbSNP rs1745369142, ClinGen allele CA359218466.
Genomic context (GRCh38, chr5:14,374,245, plus strand): 5'-GTAGAAGTCAAATTAGCAACACATTGCTCTCCATTGTTTTTTAGGCTTGCACCCTTGCTC[G>A]GAGGAATGCAGACGTCTTCCTGAAATACCTGCACAGGAACAGCGTGAACATGCCAGGAAT-3'
Protein context (NP_009049.2, residues 1068-1088): EAFLKACTLA[Arg1078Gln]RNADVFLKYL